The following is an entry in ClinVar:

ClinVar aggregate classification (germline): Benign/Likely benign. Review status: criteria provided, multiple submitters, no conflicts (2 of 4 stars). 9 submissions from 9 submitters: Benign (7); Likely benign (2). Last evaluated 2026-09-01.

Conditions:
Charcot-Marie-Tooth disease axonal type 2O. Also called: CHARCOT-MARIE-TOOTH NEUROPATHY, AXONAL, TYPE 2O; CHARCOT-MARIE-TOOTH DISEASE, AXONAL, AUTOSOMAL DOMINANT, TYPE 2O; Charcot-Marie-Tooth Neuropathy Type 2O; Charcot-Marie-Tooth disease, axonal, type 20. Identifiers: Orphanet 284232, MedGen C3280220, MONDO:0013644, OMIM 614228.
Inborn genetic diseases. Identifiers: MedGen C0950123, MeSH D030342.

Allele frequency attached by ClinVar (database versions not stated): ESP Exome Variant Server 0.00392; 1000 Genomes Project 0.00539; 1000 Genomes Project 30x 0.00547; TOPMed 0.00376.
gnomAD v4.1: 1,095 of 1,614,080 alleles (0.068%); highest among the groups gnomAD compares: African/African-American, 1.2%; 6 homozygotes.

Submissions (9):

CeGaT Center for Human Genetics Tuebingen
Classification: Likely benign. Last evaluated: 2026-09-01. Review status: criteria provided, single submitter. Criteria: CeGaT Center For Human Genetics Tuebingen Variant Classification Criteria Version 2. Collection method: clinical testing. Allele origin: germline. Affected: yes. Observed: 8 variant alleles.
Comment: DYNC1H1: BP4, BP7, BS1

Labcorp Genetics (formerly Invitae), Labcorp
Classification: Benign for Charcot-Marie-Tooth disease axonal type 2O. Last evaluated: 2026-02-03. Review status: criteria provided, single submitter. Criteria: Invitae Variant Classification Sherloc (09022015). Collection method: clinical testing. Allele origin: germline.

Blueprint Genetics
Classification: Likely benign. Last evaluated: 2024-11-27. Review status: criteria provided, single submitter. Criteria: ACMG Guidelines, 2015. Collection method: clinical testing. Allele origin: germline.

Mayo Clinic Laboratories, Mayo Clinic
Classification: Benign. Last evaluated: 2023-11-01. Review status: criteria provided, single submitter. Criteria: ACMG Guidelines, 2015. Collection method: clinical testing. Allele origin: germline. Observed: 5 variant alleles.

Genetic Services Laboratory, University of Chicago
Classification: Benign. Last evaluated: 2019-06-07. Review status: criteria provided, single submitter. Criteria: ACMG Guidelines, 2015. Collection method: clinical testing. Allele origin: germline. Affected: no.

Athena Diagnostics
Classification: Benign. Last evaluated: 2018-09-25. Review status: criteria provided, single submitter. Criteria: Athena Diagnostics Criteria. Collection method: clinical testing. Allele origin: germline.

Ambry Genetics
Classification: Benign for Inborn genetic diseases. Last evaluated: 2016-07-26. Review status: criteria provided, single submitter. Criteria: Ambry Variant Classification Scheme 2023. Collection method: clinical testing. Allele origin: germline.

GeneDx
Classification: Benign. Last evaluated: 2016-03-28. Review status: criteria provided, single submitter. Criteria: GeneDx Variant Classification (06012015). Collection method: clinical testing. Allele origin: germline. Affected: yes.
Comment: This variant is considered likely benign or benign based on one or more of the following criteria: it is a conservative change, it occurs at a poorly conserved position in the protein, it is predicted to be benign by multiple in silico algorithms, and/or has population frequency not consistent with disease.

Breakthrough Genomics
Classification: Benign. Review status: criteria provided, single submitter. Criteria: ACMG Guidelines, 2015. Collection method: not provided. Allele origin: germline. Inheritance: Autosomal dominant inheritance. Affected: yes.

NM_001376.5(DYNC1H1):c.12192G>T (p.Thr4064=)

Gene: DYNC1H1 (dynein cytoplasmic 1 heavy chain 1; plus strand). Cytogenetic location: 14q32.31.
Variant type: single nucleotide variant.
Coding change: c.12192G>T on transcript NM_001376.5 (MANE Select); coding-DNA position 12192, G replaced by T.
Protein change: p.Thr4064=; no amino-acid change (threonine 4064 retained).
Molecular consequence: synonymous variant.
Genome position (GRCh38, 1-based): chr14:102,042,102, G>T. VCF-style: chr14-102042102-G-T. GRCh37 (hg19) VCF-style: chr14-102508439-G-T.
Other names: p.Thr4064=.
Identifiers: ClinVar variation 379520 (VCV000379520.49), dbSNP rs114906811, ClinGen allele CA7353849.
Genomic context (GRCh38, chr14:102,042,102, plus strand): 5'-CTCTGTGCCTGGTTATGATGCCAGTGGACATGTCGAGGACCTTGCAGCCGAGCAGAACAC[G>T]CAGATCACTTCAATTGCAATCGGTAAGGATGCTTGAGGGGCTTCATGGGCTGGAGCCCTG-3'
Protein context (NP_001367.2, residues 4054-4074): HVEDLAAEQN[Thr4064=]QITSIAIGSA